The following is an entry in ClinVar:

ClinVar aggregate classification (germline): Uncertain significance (1 of 4 stars; one submission).

gnomAD v4.1: 2 of 1,602,586 alleles (0.00012%); highest among the groups gnomAD compares: Non-Finnish European, 0.00017%; no homozygotes.

Submission:

GeneDx
Classification: Uncertain significance. Last evaluated: 2024-11-20. Review status: criteria provided, single submitter. Criteria: GeneDx Variant Classification Process June 2021. Collection method: clinical testing. Allele origin: germline. Affected: yes.
Comment: Reported previously with a second variant in trans in a patient with episodes of neurological decompensation following infections or vaccinations including tremor, hypo/bradykinesia, hypotonia, rigidity/hypertonia, lethargy, loss of milestones, and motor delay (PMID: 36101825); Not observed at significant frequency in large population cohorts (gnomAD); In silico analysis supports that this missense variant has a deleterious effect on protein structure/function; This variant is associated with the following publications: (PMID: Dai2021[article], 36101825)

NM_000360.4(TH):c.991G>A (p.Glu331Lys)

Gene: TH (tyrosine hydroxylase; minus strand). Cytogenetic location: 11p15.5.
Variant type: single nucleotide variant.
Coding change: c.991G>A on transcript NM_000360.4 (MANE Select); coding-DNA position 991, G replaced by A.
Protein change: p.Glu331Lys; replaces glutamic acid 331 with lysine.
Molecular consequence: missense variant.
Genome position (GRCh38, 1-based): chr11:2,166,536, C>T on the plus strand (G>A on the coding strand, the complement: TH is on the minus strand). VCF-style: chr11-2166536-C-T. GRCh37 (hg19) VCF-style: chr11-2187766-C-T.
Other names: c.1084G>A, p.Glu362Lys (NM_199292.3); c.1072G>A, p.Glu358Lys (NM_199293.3); short protein forms E331K, E358K, E362K.
Identifiers: ClinVar variation 3900367 (VCV003900367.1).